The following is an entry in ClinVar:

NM_001387430.1(SH2B1):c.2073GCTGGTCCCCGTGGTTGA[1] (p.693VPVVEL[1])

Gene: SH2B1 (SH2B adaptor protein 1; plus strand). Cytogenetic location: 16p11.2.
Variant type: Microsatellite.
Coding change: c.2073GCTGGTCCCCGTGGTTGA[1] on transcript NM_001387430.1 (MANE Select); one copy of the 18-base unit GCTGGTCCCCGTGGTTGA starting at c.2073; the reference has two copies in a row; one copy, 18 bases deleted.
Protein change: p.693VPVVEL[1].
Molecular consequence: inframe deletion. On other transcripts: 3 prime UTR variant (5).
Genome position (GRCh38, 1-based): chr16:28,873,640-28,873,657, GCTGGTCCCCGTGGTTGA deleted; deleting any 18 consecutive bases within chr16:28,873,620-28,873,657 gives the same sequence; the position shown is the placement nearest the transcript's 3' end. VCF-style (leftmost placement, unchanged base first): chr16-28873619-AGAGCTGGTCCCCGTGGTT-A. GRCh37 (hg19) VCF-style: chr16-28884940-AGAGCTGGTCCCCGTGGTT-A.
Other names: c.2073GCTGGTCCCCGTGGTTGA[1], p.693VPVVEL[1] (NM_001145795.2, NM_001308293.2, NM_001387404.1); c.*157GCTGGTCCCCGTGGTTGA[1] (NM_001145796.2, NM_001145812.2, NM_001308294.2 and 1 more transcripts); c.*174GCTGGTCCCCGTGGTTGA[1] (NM_001145797.2).
Identifiers: ClinVar variation 3356456 (VCV003356456.1).

ClinVar aggregate classification (germline): Uncertain significance (0 of 4 stars; one submission).

Conditions:
SH2B1-related disorder. Also called: SH2B1-related condition.

Submission:

PreventionGenetics, part of Exact Sciences
Classification: Uncertain significance for SH2B1-related condition. Last evaluated: 2024-03-13. Review status: no assertion criteria provided. Collection method: clinical testing. Allele origin: germline.
Comment: The SH2B1 c.2091_2108del18 variant is predicted to result in an in-frame deletion (p.Val699_Leu704del). To our knowledge, this variant has not been reported in the literature. This variant is reported in 0.0053% of alleles in individuals of European (Non-Finnish) descent in gnomAD. At this time, the clinical significance of this variant is uncertain due to the absence of conclusive functional and genetic evidence.